The following is an entry in ClinVar:

ClinVar aggregate classification (germline): Uncertain significance (1 of 4 stars; one submission).

Conditions:
Hereditary cancer-predisposing syndrome. Also called: Neoplastic Syndromes, Hereditary; Tumor predisposition; Hereditary neoplastic syndrome; Hereditary Cancer Syndrome. Identifiers: Orphanet 140162, MedGen C0027672, MeSH D009386, MONDO:0015356.

Submission:

Ambry Genetics
Classification: Uncertain significance for Hereditary cancer-predisposing syndrome. Last evaluated: 2023-10-27. Review status: criteria provided, single submitter. Criteria: Ambry Variant Classification Scheme 2023. Collection method: clinical testing. Allele origin: germline.
Comment: The p.E2260D variant (also known as c.6780G>C), located in coding exon 10 of the BRCA2 gene, results from a G to C substitution at nucleotide position 6780. The glutamic acid at codon 2260 is replaced by aspartic acid, an amino acid with highly similar properties. This amino acid position is conserved. In addition, this alteration is predicted to be tolerated by in silico analysis. Since supporting evidence is limited at this time, the clinical significance of this alteration remains unclear.

NM_000059.4(BRCA2):c.6780G>C (p.Glu2260Asp)

Gene: BRCA2 (BRCA2 DNA repair associated; plus strand). Cytogenetic location: 13q13.1.
Variant type: single nucleotide variant.
Coding change: c.6780G>C on transcript NM_000059.4 (MANE Select); coding-DNA position 6780, G replaced by C.
Protein change: p.Glu2260Asp; replaces glutamic acid 2260 with aspartic acid.
Molecular consequence: missense variant. On other transcripts: non-coding transcript variant (1), intron variant (2).
Genome position (GRCh38, 1-based): chr13:32,341,135, G>C. VCF-style: chr13-32341135-G-C. GRCh37 (hg19) VCF-style: chr13-32915272-G-C.
Other names: c.6780G>C, p.Glu2260Asp (NM_001406719.1, NM_001406720.1); c.1910-3423G>C (NM_001406721.1); c.425-3423G>C (NM_001406722.1); short protein forms E2260D.
Identifiers: ClinVar variation 3228076 (VCV003228076.1), dbSNP rs1593909795, ClinGen allele CA387791263.
Genomic context (GRCh38, chr13:32,341,135, plus strand): 5'-GACAGATTCTAAACTGCCAAGTCATGCCACACATTCTCTTTTTACATGTCCCGAAAATGA[G>C]GAAATGGTTTTGTCAAATTCAAGAATTGGAAAAAGAAGAGGAGAGCCCCTTATCTTAGTG-3'
Protein context (NP_000050.3, residues 2250-2270): THSLFTCPEN[Glu2260Asp]EMVLSNSRIG